The following is an entry in ClinVar:

ClinVar aggregate classification (germline): Benign/Likely benign. Review status: criteria provided, multiple submitters, no conflicts (2 of 4 stars). 4 submissions from 4 submitters: Benign (3); Likely benign (1). Last evaluated 2024-09-04.

Allele frequency attached by ClinVar (database versions not stated): gnomAD exomes 0.00031 and 0.00086; ExAC 0.00103; 1000 Genomes Project 0.00200; 1000 Genomes Project 30x 0.00219; gnomAD 0.00322 and 0.00351; TOPMed 0.00372; ESP Exome Variant Server 0.00384.
gnomAD v4.1: 964 of 1,614,128 alleles (0.06%); highest among the groups gnomAD compares: African/African-American, 1.1%; 7 homozygotes.

Submissions (4):

Blueprint Genetics
Classification: Likely benign. Last evaluated: 2024-09-04. Review status: criteria provided, single submitter. Criteria: ACMG Guidelines, 2015. Collection method: clinical testing. Allele origin: germline.

CeGaT Center for Human Genetics Tuebingen
Classification: Benign. Last evaluated: 2023-12-01. Review status: criteria provided, single submitter. Criteria: CeGaT Center For Human Genetics Tuebingen Variant Classification Criteria Version 2. Collection method: clinical testing. Allele origin: germline. Affected: yes. Observed: 3 variant alleles.
Comment: SLC9A9: BP4, BP7, BS1, BS2

Labcorp Genetics (formerly Invitae), Labcorp
Classification: Benign. Last evaluated: 2018-06-06. Review status: criteria provided, single submitter. Criteria: Invitae Variant Classification Sherloc (09022015). Collection method: clinical testing. Allele origin: germline.

Breakthrough Genomics
Classification: Benign. Review status: criteria provided, single submitter. Criteria: ACMG Guidelines, 2015. Collection method: not provided. Allele origin: germline. Inheritance: Unknown mechanism. Affected: yes.

NM_173653.4(SLC9A9):c.1824C>T (p.Asp608=)

Gene: SLC9A9 (solute carrier family 9 member A9; minus strand). Cytogenetic location: 3q24.
Variant type: single nucleotide variant.
Coding change: c.1824C>T on transcript NM_173653.4 (MANE Select); coding-DNA position 1824, C replaced by T.
Protein change: p.Asp608=; no amino-acid change (aspartic acid 608 retained).
Molecular consequence: synonymous variant.
Genome position (GRCh38, 1-based): chr3:143,266,816, G>A on the plus strand (C>T on the coding strand, the complement: SLC9A9 is on the minus strand). VCF-style: chr3-143266816-G-A. GRCh37 (hg19) VCF-style: chr3-142985658-G-A.
Identifiers: ClinVar variation 788398 (VCV000788398.29), dbSNP rs142530401, ClinGen allele CA2653662.
Genomic context (GRCh38, chr3:143,266,816, plus strand): 5'-CAGGCCGAGGTCTCCCTCATAAATGTTTTCCTTGCCTGGCGTCTGGGGTGAAGCTTTCTG[G>A]TCCAGACCTAGCCTTGCAGGAGGACTGCAGGGTGAGGAGGCTTGCTCCTGGTAATTTATG-3'
Protein context (NP_775924.1, residues 598-618): PCSPPARLGL[Asp608=]QKASPQTPGK